The following is an entry in ClinVar:

ClinVar aggregate classification (germline): Conflicting classifications of pathogenicity. Review status: criteria provided, conflicting classifications (1 of 4 stars). 4 submissions from 4 submitters: Uncertain significance (3); Likely benign (1). Last evaluated 2025-08-12.

Conditions:
Hereditary cancer-predisposing syndrome. Also called: Neoplastic Syndromes, Hereditary; Hereditary neoplastic syndrome; Tumor predisposition; Hereditary Cancer Syndrome. Identifiers: Orphanet 140162, MedGen C0027672, MeSH D009386, MONDO:0015356.
Von Hippel-Lindau syndrome (VHLS). Also called: Von Hippel-Lindau; VHL syndrome; von Hippel–Lindau syndrome. Identifiers: Orphanet 892, MedGen C0019562, MONDO:0008667, OMIM 193300. Disease mechanism: loss of function.
Chuvash polycythemia. Also called: POLYCYTHEMIA, VHL-DEPENDENT. Identifiers: Orphanet 238557, MedGen C1837915, MONDO:0009892, OMIM 263400.

gnomAD v4.1: 6 of 1,603,850 alleles (0.00037%); highest among the groups gnomAD compares: Non-Finnish European, 0.00051%; no homozygotes.

Submissions (4):

Color Diagnostics, LLC DBA Color Health
Classification: Uncertain significance for Von Hippel-Lindau syndrome. Last evaluated: 2025-08-12. Review status: criteria provided, single submitter. Criteria: ACMG Guidelines, 2015. Collection method: clinical testing. Allele origin: germline.
Comment: This missense variant replaces leucine with valine at codon 85 of the VHL protein. Computational prediction suggests that this variant may not impact protein structure and function. A functional study has shown that this variant has a neutral impact on VHL protein function (PMID: 38969834). This variant has not been reported in individuals affected with VHL-related disorders in the literature. This variant has not been identified in the general population by the Genome Aggregation Database (gnomAD). The available evidence is insufficient to determine the role of this variant in disease conclusively. Therefore, this variant is classified as a Variant of Uncertain Significance.

Ambry Genetics
Classification: Likely benign for Hereditary cancer-predisposing syndrome. Last evaluated: 2025-01-20. Review status: criteria provided, single submitter. Criteria: Ambry Variant Classification Scheme 2023. Collection method: clinical testing. Allele origin: germline.

Labcorp Genetics (formerly Invitae), Labcorp
Classification: Uncertain significance for Von Hippel-Lindau syndrome; Chuvash polycythemia. Last evaluated: 2024-11-15. Review status: criteria provided, single submitter. Criteria: Invitae Variant Classification Sherloc (09022015). Collection method: clinical testing. Allele origin: germline.
Comment: This sequence change replaces leucine, which is neutral and non-polar, with valine, which is neutral and non-polar, at codon 85 of the VHL protein (p.Leu85Val). This variant is not present in population databases (gnomAD no frequency). This variant has not been reported in the literature in individuals affected with VHL-related conditions. ClinVar contains an entry for this variant (Variation ID: 841472). Invitae Evidence Modeling of protein sequence and biophysical properties (such as structural, functional, and spatial information, amino acid conservation, physicochemical variation, residue mobility, and thermodynamic stability) indicates that this missense variant is expected to disrupt VHL protein function with a positive predictive value of 95%. In summary, the available evidence is currently insufficient to determine the role of this variant in disease. Therefore, it has been classified as a Variant of Uncertain Significance.

Baylor Genetics
Classification: Uncertain significance for Chuvash polycythemia. Last evaluated: 2024-01-03. Review status: criteria provided, single submitter. Criteria: ACMG Guidelines, 2015. Collection method: clinical testing. Allele origin: unknown.

Literature cited by the submitters: PubMed 38969834 (cited by Color Diagnostics, LLC DBA Color Health and Ambry Genetics).

NM_000551.4(VHL):c.253C>G (p.Leu85Val)

Gene: VHL (von Hippel-Lindau tumor suppressor; plus strand). Cytogenetic location: 3p25.3.
Variant type: single nucleotide variant.
Coding change: c.253C>G on transcript NM_000551.4 (MANE Select); coding-DNA position 253, C replaced by G.
Protein change: p.Leu85Val; replaces leucine 85 with valine.
Molecular consequence: missense variant.
Genome position (GRCh38, 1-based): chr3:10,142,100, C>G. VCF-style: chr3-10142100-C-G. GRCh37 (hg19) VCF-style: chr3-10183784-C-G.
Other names: c.253C>G, p.Leu85Val (NM_001354723.2, NM_198156.3); short protein forms L85V.
Identifiers: ClinVar variation 841472 (VCV000841472.12), dbSNP rs1422271977, ClinGen allele CA351750604.